The following is an entry in ClinVar:

ClinVar aggregate classification (germline): Uncertain significance (1 of 4 stars; one submission).

Conditions:
Diffuse cerebral and cerebellar atrophy - intractable seizures - progressive microcephaly syndrome. Also called: Microcephaly, progressive, with seizures and cerebral and cerebellar atrophy. Identifiers: Orphanet 404437, MedGen C4014239, MONDO:0014335, OMIM 615760.

Submission:

Labcorp Genetics (formerly Invitae), Labcorp
Classification: Uncertain significance for Diffuse cerebral and cerebellar atrophy - intractable seizures - progressive microcephaly syndrome. Last evaluated: 2023-04-05. Review status: criteria provided, single submitter. Criteria: Invitae Variant Classification Sherloc (09022015). Collection method: clinical testing. Allele origin: germline.
Comment: This sequence change replaces aspartic acid, which is acidic and polar, with histidine, which is basic and polar, at codon 724 of the QARS protein (p.Asp724His). This variant is not present in population databases (gnomAD no frequency). This variant has not been reported in the literature in individuals affected with QARS-related conditions. ClinVar contains an entry for this variant (Variation ID: 849429). Advanced modeling of protein sequence and biophysical properties (such as structural, functional, and spatial information, amino acid conservation, physicochemical variation, residue mobility, and thermodynamic stability) has been performed at Invitae for this missense variant, however the output from this modeling did not meet the statistical confidence thresholds required to predict the impact of this variant on QARS protein function. In summary, the available evidence is currently insufficient to determine the role of this variant in disease. Therefore, it has been classified as a Variant of Uncertain Significance.

NM_005051.3(QARS1):c.2170G>C (p.Asp724His)

Gene: QARS1 (glutaminyl-tRNA synthetase 1; minus strand). Cytogenetic location: 3p21.31.
Variant type: single nucleotide variant.
Coding change: c.2170G>C on transcript NM_005051.3 (MANE Select); coding-DNA position 2170, G replaced by C.
Protein change: p.Asp724His; replaces aspartic acid 724 with histidine.
Molecular consequence: missense variant. On other transcripts: non-coding transcript variant (1).
Genome position (GRCh38, 1-based): chr3:49,098,099, C>G on the plus strand (G>C on the coding strand, the complement: QARS1 is on the minus strand). VCF-style: chr3-49098099-C-G. GRCh37 (hg19) VCF-style: chr3-49135532-C-G.
Other names: c.2137G>C, p.Asp713His (NM_001272073.2); short protein forms D724H, D713H.
Identifiers: ClinVar variation 849429 (VCV000849429.6), dbSNP rs2042414914, ClinGen allele CA352697572.